The following is an entry in ClinVar:

ClinVar aggregate classification (germline): Uncertain significance (1 of 4 stars; one submission).

Conditions:
Actin accumulation myopathy (CMYO2A). Also called: Nemaline myopathy type 3; Myopathy, actin, congenital, with excess of thin myofilaments; Myopathy, actin, congenital, with cores; Nemaline myopathy 3, with intranuclear rods; CONGENITAL MYOPATHY 2A, TYPICAL, AUTOSOMAL DOMINANT. Identifiers: Orphanet 98904, MedGen C3711389, MONDO:0008070, OMIM 161800.

Submission:

Labcorp Genetics (formerly Invitae), Labcorp
Classification: Uncertain significance for Actin accumulation myopathy. Last evaluated: 2021-05-18. Review status: criteria provided, single submitter. Criteria: Invitae Variant Classification Sherloc (09022015). Collection method: clinical testing. Allele origin: germline.
Comment: This sequence change replaces asparagine with tyrosine at codon 14 of the ACTA1 protein (p.Asn14Tyr). The asparagine residue is highly conserved and there is a large physicochemical difference between asparagine and tyrosine. In summary, the available evidence is currently insufficient to determine the role of this variant in disease. Therefore, it has been classified as a Variant of Uncertain Significance. Advanced modeling of protein sequence and biophysical properties (such as structural, functional, and spatial information, amino acid conservation, physicochemical variation, residue mobility, and thermodynamic stability) performed at Invitae indicates that this missense variant is expected to disrupt ACTA1 protein function. This variant has not been reported in the literature in individuals with ACTA1-related conditions. This variant is not present in population databases (ExAC no frequency).

NM_001100.4(ACTA1):c.40A>T (p.Asn14Tyr)

Gene: ACTA1 (actin alpha 1, skeletal muscle; minus strand). Cytogenetic location: 1q42.13.
Variant type: single nucleotide variant.
Coding change: c.40A>T on transcript NM_001100.4 (MANE Select); coding-DNA position 40, A replaced by T.
Protein change: p.Asn14Tyr; replaces asparagine 14 with tyrosine.
Molecular consequence: missense variant.
Genome position (GRCh38, 1-based): chr1:229,433,076, T>A on the plus strand (A>T on the coding strand, the complement: ACTA1 is on the minus strand). VCF-style: chr1-229433076-T-A. GRCh37 (hg19) VCF-style: chr1-229568823-T-A.
Other names: short protein forms N14Y.
Identifiers: ClinVar variation 1485789 (VCV001485789.8), dbSNP rs2102736617, ClinGen allele CA345151701.